The following is an entry in ClinVar:

ClinVar aggregate classification (germline): Uncertain significance. Review status: criteria provided, multiple submitters, no conflicts (2 of 4 stars). 2 submissions from 2 submitters: Uncertain significance (2). Last evaluated 2025-12-01.

Allele frequency attached by ClinVar (database versions not stated): gnomAD 0.00004 and 0.00005; TOPMed 0.00011.
gnomAD v4.1: 54 of 1,613,796 alleles (0.0033%); highest among the groups gnomAD compares: Admixed American, 0.088%; no homozygotes.

Submissions (2):

Labcorp Genetics (formerly Invitae), Labcorp
Classification: Uncertain significance. Last evaluated: 2025-12-01. Review status: criteria provided, single submitter. Criteria: Invitae Variant Classification Sherloc (09022015). Collection method: clinical testing. Allele origin: germline.
Comment: This sequence change replaces cysteine, which is neutral and slightly polar, with tyrosine, which is neutral and polar, at codon 1956 of the FBN3 protein (p.Cys1956Tyr). This variant is present in population databases (rs755795597, gnomAD 0.1%), and has an allele count higher than expected for a pathogenic variant. This variant has not been reported in the literature in individuals affected with FBN3-related conditions. ClinVar contains an entry for this variant (Variation ID: 1501172). Invitae Evidence Modeling of protein sequence and biophysical properties (such as structural, functional, and spatial information, amino acid conservation, physicochemical variation, residue mobility, and thermodynamic stability) indicates that this missense variant is expected to disrupt FBN3 protein function with a positive predictive value of 80%. In summary, the available evidence is currently insufficient to determine the role of this variant in disease. Therefore, it has been classified as a Variant of Uncertain Significance.

Ambry Genetics
Classification: Uncertain significance. Last evaluated: 2021-07-20. Review status: criteria provided, single submitter. Criteria: Ambry Variant Classification Scheme 2023. Collection method: clinical testing. Allele origin: germline.

NM_032447.5(FBN3):c.5867G>A (p.Cys1956Tyr)

Gene: FBN3 (fibrillin 3; minus strand). Cytogenetic location: 19p13.2.
Variant type: single nucleotide variant.
Coding change: c.5867G>A on transcript NM_032447.5 (MANE Select); coding-DNA position 5867, G replaced by A.
Protein change: p.Cys1956Tyr; replaces cysteine 1956 with tyrosine.
Molecular consequence: missense variant.
Genome position (GRCh38, 1-based): chr19:8,094,484, C>T on the plus strand (G>A on the coding strand, the complement: FBN3 is on the minus strand). VCF-style: chr19-8094484-C-T. GRCh37 (hg19) VCF-style: chr19-8159368-C-T.
Other names: c.5867G>A, p.Cys1956Tyr (NM_001321431.2); c.5867G>A (NM_032447.3); short protein forms C1956Y.
Identifiers: ClinVar variation 1501172 (VCV001501172.7), dbSNP rs755795597, ClinGen allele CA9151511.
Genomic context (GRCh38, chr19:8,094,484, plus strand): 5'-GGGAGTGGGGCTGGACACTCACCAATGCAGTGGTCACTCTGCACCTGGAAGCCAGGGGGA[C>T]AGATGCAGCGGAAGGAGCCCTCGAGGTTCTGGCAAGTGCCGGGTAGGCAGGTTCCTGCAA-3'
Protein context (NP_115823.3, residues 1946-1966): QNLEGSFRCI[Cys1956Tyr]PPGFQVQSDH